The following is an entry in ClinVar:

NM_001394062.1(MACF1):c.13484C>T (p.Thr4495Ile)

Gene: MACF1 (microtubule actin crosslinking factor 1; plus strand). Cytogenetic location: 1p34.3.
Variant type: single nucleotide variant.
Coding change: c.13484C>T on transcript NM_001394062.1 (MANE Select); coding-DNA position 13484, C replaced by T.
Protein change: p.Thr4495Ile; replaces threonine 4495 with isoleucine.
Molecular consequence: missense variant.
Genome position (GRCh38, 1-based): chr1:39,379,410, C>T. VCF-style: chr1-39379410-C-T. GRCh37 (hg19) VCF-style: chr1-39845082-C-T.
Other names: c.7298C>T (NM_012090.4); c.7298C>T, p.Thr2433Ile (NM_012090.5); short protein forms T2433I, T4495I.
Identifiers: ClinVar variation 3699898 (VCV003699898.4).

ClinVar aggregate classification (germline): Conflicting classifications of pathogenicity. Review status: criteria provided, conflicting classifications (1 of 4 stars). 3 submissions from 3 submitters: Uncertain significance (2); Likely benign (1). Last evaluated 2025-09-10.

Conditions:
Lissencephaly 9 with complex brainstem malformation. Identifiers: Orphanet 572013, MedGen C5193029, MONDO:0032677, OMIM 618325.
Inborn genetic diseases. Identifiers: MedGen C0950123, MeSH D030342.

gnomAD v4.1: 10 of 1,613,984 alleles (0.00062%); highest among the groups gnomAD compares: Middle Eastern, 0.017%; no homozygotes.

Submissions (3):

Genomic Medicine Center of Excellence, King Faisal Specialist Hospital and Research Centre
Classification: Uncertain significance for Lissencephaly 9 with complex brainstem malformation. Last evaluated: 2025-09-10. Review status: criteria provided, single submitter. Criteria: ACMG Guidelines, 2015. Collection method: clinical testing. Allele origin: germline.

Ambry Genetics
Classification: Likely benign for Inborn genetic diseases. Last evaluated: 2025-06-25. Review status: criteria provided, single submitter. Criteria: Ambry Variant Classification Scheme 2023. Collection method: clinical testing. Allele origin: germline.

Labcorp Genetics (formerly Invitae), Labcorp
Classification: Uncertain significance. Last evaluated: 2024-05-13. Review status: criteria provided, single submitter. Criteria: Invitae Variant Classification Sherloc (09022015). Collection method: clinical testing. Allele origin: germline.
Comment: This sequence change replaces threonine, which is neutral and polar, with isoleucine, which is neutral and non-polar, at codon 2433 of the MACF1 protein (p.Thr2433Ile). This variant is present in population databases (rs775940058, gnomAD 0.0009%). This variant has not been reported in the literature in individuals affected with MACF1-related conditions. An algorithm developed to predict the effect of missense changes on protein structure and function (PolyPhen-2) suggests that this variant is likely to be disruptive. In summary, the available evidence is currently insufficient to determine the role of this variant in disease. Therefore, it has been classified as a Variant of Uncertain Significance.